The following is an entry in ClinVar:

NM_001194998.2(CEP152):c.4378_4379del (p.Val1460fs)

Gene: CEP152 (centrosomal protein 152; minus strand). Cytogenetic location: 15q21.1.
Variant type: Deletion.
Coding change: c.4378_4379del on transcript NM_001194998.2 (MANE Select); coding-DNA positions 4378 to 4379, 2 bases deleted (GT; older notation c.4378_4379delGT).
Protein change: p.Val1460fs; shifts the reading frame from valine 1460.
Molecular consequence: frameshift variant.
Genome position (GRCh38, 1-based): chr15:48,739,003-48,739,004, AC deleted on the plus strand (GT on the coding strand, the reverse complement: CEP152 is on the minus strand); deleting any 2 consecutive bases within chr15:48,739,003-48,739,005 gives the same sequence; the c. name uses the placement nearest the transcript's 3' end. VCF-style (leftmost placement, unchanged base first): chr15-48739002-AAC-A. GRCh37 (hg19) VCF-style: chr15-49031199-AAC-A.
Other names: c.4210_4211del, p.Val1404fs (NM_014985.4); c.4210_4211del (NM_014985.3); short protein forms V1404fs, V1460fs.
Identifiers: ClinVar variation 31033 (VCV000031033.41), dbSNP rs141600901, ClinGen allele CA7548105.
Genomic context (GRCh38, chr15:48,739,002, plus strand): 5'-GTCTTTCTTCTTGTGCAAACCAAAGCCTCCTTCACCTTCACAAGGAACAAACTCAGGAGA[AAC>A]ATTCCTTGGCAAACTGTTTAGGTGCTTGCAACTACCATCCCCAAACTGGAATTCCAAATG-3'

ClinVar aggregate classification (germline): Benign/Likely benign. Review status: criteria provided, multiple submitters, no conflicts (2 of 4 stars). 6 submissions from 6 submitters: Benign (3); Likely benign (2). 1 of the submissions does not count toward it. Last evaluated 2026-03-01.

Conditions:
Seckel syndrome 5 (SCKL5). Identifiers: Orphanet 808, MedGen C3151187, MONDO:0013443, OMIM 613823.

Submissions (6):

CeGaT Center for Human Genetics Tuebingen
Classification: Benign. Last evaluated: 2026-03-01. Review status: criteria provided, single submitter. Criteria: CeGaT Center For Human Genetics Tuebingen Variant Classification Criteria Version 2. Collection method: clinical testing. Allele origin: germline. Affected: yes. Observed: 2 variant alleles.
Comment: CEP152: BS1, BS2

Labcorp Genetics (formerly Invitae), Labcorp
Classification: Benign. Last evaluated: 2026-01-31. Review status: criteria provided, single submitter. Criteria: Invitae Variant Classification Sherloc (09022015). Collection method: clinical testing. Allele origin: germline.

GeneDx
Classification: Benign. Last evaluated: 2020-04-07. Review status: criteria provided, single submitter. Criteria: GeneDx Variant Classification Process June 2021. Collection method: clinical testing. Allele origin: germline. Affected: yes.
Comment: This variant is associated with the following publications: (PMID: 21131973)

Mendelics
Classification: Likely benign. Last evaluated: 2019-05-28. Review status: criteria provided, single submitter. Criteria: Mendelics Assertion Criteria 2017. Collection method: clinical testing. Allele origin: unknown.

Eurofins Ntd Llc (ga)
Classification: Likely benign. Last evaluated: 2015-12-18. Review status: criteria provided, single submitter. Criteria: EGL Classification Definitions 2015. Collection method: clinical testing. Allele origin: germline. Observed: 4 variant alleles, 2 heterozygotes.

OMIM
Classification: Pathogenic for SECKEL SYNDROME 5. Last evaluated: 2011-01-01. Review status: no assertion criteria provided. Collection method: literature only. Allele origin: germline. Not counted in ClinVar's aggregate classification.

Literature cited by the submitters: PubMed 21131973 (cited by OMIM).